The following is an entry in ClinVar:

NM_001035.3(RYR2):c.13593G>A (p.Lys4531=)

Gene: RYR2 (ryanodine receptor 2; plus strand). Cytogenetic location: 1q43.
Variant type: single nucleotide variant.
Coding change: c.13593G>A on transcript NM_001035.3 (MANE Select); coding-DNA position 13593, G replaced by A.
Protein change: p.Lys4531=; no amino-acid change (lysine 4531 retained).
Molecular consequence: synonymous variant.
Genome position (GRCh38, 1-based): chr1:237,792,134, G>A. VCF-style: chr1-237792134-G-A. GRCh37 (hg19) VCF-style: chr1-237955434-G-A.
Identifiers: ClinVar variation 227911 (VCV000227911.30), dbSNP rs548313130, ClinGen allele CA10576413.

ClinVar aggregate classification (germline): Conflicting classifications of pathogenicity. Review status: criteria provided, conflicting classifications (1 of 4 stars). 11 submissions from 10 submitters: Uncertain significance (2); Likely benign (7). 2 of the submissions do not count toward it. Last evaluated 2023-11-18.

Conditions:
Catecholaminergic polymorphic ventricular tachycardia 1. Also called: RYR2-Related Catecholaminergic Polymorphic Ventricular Tachycardia; VENTRICULAR TACHYCARDIA, STRESS-INDUCED POLYMORPHIC 1; VENTRICULAR TACHYCARDIA, CATECHOLAMINERGIC POLYMORPHIC, 1, WITH OR WITHOUT ATRIAL DYSFUNCTION AND/OR DILATED CARDIOMYOPATHY. Identifiers: Orphanet 3286, MedGen C1631597, MONDO:0011484, OMIM 604772.
Catecholaminergic polymorphic ventricular tachycardia (CVPT). Also called: Catecholamine-induced polymorphic ventricular tachycardia. Identifiers: Orphanet 3286, MedGen C5574922, MONDO:0017990.
Cardiomyopathy (CMYO). Also called: Cardiomyopathies. Identifiers: Orphanet 167848, MedGen C0878544, MONDO:0004994, HP:0001638. Inheritance: Various modes of inheritance.
Arrhythmogenic right ventricular dysplasia 2. Identifiers: MedGen C1832931.
Cardiovascular phenotype. Identifiers: MedGen CN230736.

Allele frequency attached by ClinVar (database versions not stated): gnomAD exomes 0.00001 and 0.00005; TOPMed 0.00001; gnomAD 0.00003.
gnomAD v4.1: 75 of 1,604,814 alleles (0.0047%); highest among the groups gnomAD compares: Non-Finnish European, 0.0061%; no homozygotes.

Submissions (11):

Labcorp Genetics (formerly Invitae), Labcorp
Classification: Likely benign for Catecholaminergic polymorphic ventricular tachycardia 1. Last evaluated: 2023-11-18. Review status: criteria provided, single submitter. Criteria: Invitae Variant Classification Sherloc (09022015). Collection method: clinical testing. Allele origin: germline.

All of Us Research Program, National Institutes of Health
Classification: Likely benign for Catecholaminergic polymorphic ventricular tachycardia. Last evaluated: 2023-08-15. Review status: criteria provided, single submitter. Criteria: ACMG Guidelines, 2015. Collection method: clinical testing. Allele origin: germline. Inheritance: Autosomal dominant inheritance. Observed: 3 variant alleles, 3 heterozygotes.
Comment: This study involves interpretation of variants in research participants for the purpose of population health screening. Participant phenotype was not available at the time of variant classification. Additional details can be found in publication PMID: 35346344, PMCID: PMC8962531

Blueprint Genetics
Classification: Likely benign. Last evaluated: 2021-10-13. Review status: criteria provided, single submitter. Criteria: ACMG Guidelines, 2015. Collection method: clinical testing. Allele origin: germline.

Ambry Genetics
Classification: Likely benign for Cardiovascular phenotype. Last evaluated: 2021-09-30. Review status: criteria provided, single submitter. Criteria: Ambry Variant Classification Scheme 2023. Collection method: clinical testing. Allele origin: germline.

Color Diagnostics, LLC DBA Color Health
Classification: Likely benign for Cardiomyopathy. Last evaluated: 2019-08-14. Review status: criteria provided, single submitter. Criteria: ACMG Guidelines, 2015. Collection method: clinical testing. Allele origin: germline.

CHEO Genetics Diagnostic Laboratory, Children's Hospital of Eastern Ontario
Classification: Likely benign for Cardiomyopathy. Last evaluated: 2018-09-18. Review status: criteria provided, single submitter. Criteria: ACMG Guidelines, 2015. Collection method: clinical testing. Allele origin: germline.

Illumina Laboratory Services, Illumina
Classification: Uncertain significance for Catecholaminergic polymorphic ventricular tachycardia 1. Last evaluated: 2018-01-13. Review status: criteria provided, single submitter. Criteria: ICSL Variant Classification Criteria 13 December 2019. Collection method: clinical testing. Allele origin: germline.

Illumina Laboratory Services, Illumina
Classification: Uncertain significance for Catecholaminergic polymorphic ventricular tachycardia 1. Last evaluated: 2018-01-13. Review status: criteria provided, single submitter. Criteria: ICSL Variant Classification Criteria 13 December 2019. Collection method: clinical testing. Allele origin: germline.

Laboratory for Molecular Medicine, Mass General Brigham Personalized Medicine
Classification: Likely benign. Last evaluated: 2015-08-21. Review status: criteria provided, single submitter. Criteria: LMM Criteria. Collection method: clinical testing. Allele origin: germline. Observed: 1 variant allele.
Comment: p.Lys4531Lys in exon 94 of RYR2: This variant is not expected to have clinical s ignificance because it does not alter an amino acid residue and is not located w ithin the splice consensus sequence.

Genome Diagnostics Laboratory, University Medical Center Utrecht
Classification: Likely benign. Review status: no assertion criteria provided. Collection method: clinical testing. Allele origin: germline. Affected: yes. Study: VKGL Data-share Consensus. Not counted in ClinVar's aggregate classification.

Joint Genome Diagnostic Labs from Nijmegen and Maastricht, Radboudumc and MUMC+
Classification: Likely benign. Review status: no assertion criteria provided. Collection method: clinical testing. Allele origin: germline. Affected: yes. Study: VKGL Data-share Consensus. Not counted in ClinVar's aggregate classification.